The following is an entry in ClinVar:

ClinVar aggregate classification (germline): Likely benign (1 of 4 stars; one submission).

Allele frequency attached by ClinVar (database versions not stated): gnomAD 0.00001; TOPMed 0.00002.

Submission:

GeneDx
Classification: Likely benign. Last evaluated: 2016-09-29. Review status: criteria provided, single submitter. Criteria: GeneDx Variant Classification (06012015). Collection method: clinical testing. Allele origin: germline. Affected: yes.
Comment: This variant is considered likely benign or benign based on one or more of the following criteria: it is a conservative change, it occurs at a poorly conserved position in the protein, it is predicted to be benign by multiple in silico algorithms, and/or has population frequency not consistent with disease.

NM_006516.4(SLC2A1):c.680-6C>T

Gene: SLC2A1 (solute carrier family 2 member 1; minus strand). Cytogenetic location: 1p34.2.
Variant type: single nucleotide variant.
Coding change: c.680-6C>T on transcript NM_006516.4 (MANE Select); 6 bases into the intron before coding-DNA position 680, C replaced by T.
Molecular consequence: intron variant.
Genome position (GRCh38, 1-based): chr1:42,929,786, G>A on the plus strand (C>T on the coding strand, the complement: SLC2A1 is on the minus strand). VCF-style: chr1-42929786-G-A. GRCh37 (hg19) VCF-style: chr1-43395457-G-A.
Identifiers: ClinVar variation 378608 (VCV000378608.1), dbSNP rs1057520371, ClinGen allele CA16603644.